The following is an entry in ClinVar:

ClinVar aggregate classification (germline): Uncertain significance. Review status: criteria provided, single submitter (1 of 4 stars). 2 submissions from 1 submitter: Uncertain significance (2). Last evaluated 2017-04-28.

Conditions:
Bifunctional peroxisomal enzyme deficiency (DBIF). Also called: DBP DEFICIENCY; PBFE DEFICIENCY; D-bifunctional protein deficiency. Identifiers: Orphanet 300, MedGen C0342870, MONDO:0009855, OMIM 261515. Disease mechanism: loss of function.
Perrault syndrome 1 (PRLTS1). Also called: GONADAL DYSGENESIS, XX TYPE, WITH DEAFNESS; OVARIAN DYSGENESIS WITH SENSORINEURAL DEAFNESS. Identifiers: Orphanet 2855, Orphanet 642945, MedGen C4551721, MONDO:0009300, OMIM 233400.

Allele frequency attached by ClinVar (database versions not stated): 1000 Genomes Project 30x 0.00031; 1000 Genomes Project 0.00040.
gnomAD v4.1: 901 of 1,610,958 alleles (0.056%); highest among the groups gnomAD compares: Non-Finnish European, 0.072%; no homozygotes.

Submissions (2):

Illumina Laboratory Services, Illumina
Classification: Uncertain significance for Bifunctional peroxisomal enzyme deficiency. Last evaluated: 2017-04-28. Review status: criteria provided, single submitter. Criteria: ICSL Variant Classification Criteria 13 December 2019. Collection method: clinical testing. Allele origin: germline.

Illumina Laboratory Services, Illumina
Classification: Uncertain significance for Perrault syndrome 1. Last evaluated: 2017-04-28. Review status: criteria provided, single submitter. Criteria: ICSL Variant Classification Criteria 13 December 2019. Collection method: clinical testing. Allele origin: germline.
Comment: This variant was observed as part of a predisposition screen in an ostensibly healthy population. A literature search was performed for the gene, cDNA change, and amino acid change (where applicable). Publications were found based on this search. However, the evidence from the literature, in combination with allele frequency data from public databases where available, was not sufficient to rule this variant in or out of causing disease. Therefore, this variant is classified as a variant of unknown significance.

Literature cited by the submitters: PubMed 23332201.

NM_000414.4(HSD17B4):c.-75C>A

Gene: HSD17B4 (hydroxysteroid 17-beta dehydrogenase 4; plus strand). Cytogenetic location: 5q23.1.
Variant type: single nucleotide variant.
Coding change: c.-75C>A on transcript NM_000414.4 (MANE Select); 75 bases upstream of the start codon, C replaced by A.
Molecular consequence: 5 prime UTR variant. On other transcripts: non-coding transcript variant (2).
Genome position (GRCh38, 1-based): chr5:119,452,501, C>A. VCF-style: chr5-119452501-C-A. GRCh37 (hg19) VCF-style: chr5-118788196-C-A.
Other names: c.-253C>A (NM_001199291.3); c.-75C>A (NM_001199292.2, NM_001374497.1, NM_001374498.1); c.-212C>A (NM_001292027.2); c.-674C>A (NM_001292028.2, NM_001374501.1); c.-608C>A (NM_001374499.1); c.-801C>A (NM_001374500.1); c.-679C>A (NM_001374502.1); c.-744C>A (NM_001374503.1).
Identifiers: ClinVar variation 904215 (VCV000904215.4), dbSNP rs26180, ClinGen allele CA125915050.
Genomic context (GRCh38, chr5:119,452,501, plus strand): 5'-GCGCTCATCTTCCTACCAGAAATCGGCAAGTCACTGACCCTCGTCCCGCCCCCGCCATTC[C>A]CCGCCTCCTCCTGTCCCGCAGTCGGCGTCCAGCGGCTCTGCTTGTTCGTGTGTGTGTCGT-3'